The following is an entry in ClinVar:

ClinVar aggregate classification (germline): Likely benign. Review status: criteria provided, multiple submitters, no conflicts (2 of 4 stars). 3 submissions from 3 submitters: Likely benign (2). 1 of the submissions does not count toward it. Last evaluated 2018-05-09.

Conditions:
UBR4-related disorder. Also called: UBR4-related condition.

Allele frequency attached by ClinVar (database versions not stated): gnomAD 0.00004; ExAC 0.00006; TOPMed 0.00007; ESP Exome Variant Server 0.00008.
gnomAD v4.1: 30 of 1,614,148 alleles (0.0019%); highest among the groups gnomAD compares: Admixed American, 0.013%; no homozygotes.

Submissions (3):

Labcorp Genetics (formerly Invitae), Labcorp
Classification: Likely benign. Last evaluated: 2018-05-09. Review status: criteria provided, single submitter. Criteria: Invitae Variant Classification Sherloc (09022015). Collection method: clinical testing. Allele origin: germline.

Breakthrough Genomics
Classification: Likely benign. Review status: criteria provided, single submitter. Criteria: ACMG Guidelines, 2015. Collection method: not provided. Allele origin: germline. Inheritance: Unknown mechanism. Affected: yes.

PreventionGenetics, part of Exact Sciences
Classification: Likely benign for UBR4-related condition. Last evaluated: 2019-07-16. Review status: no assertion criteria provided. Collection method: clinical testing. Allele origin: germline. Not counted in ClinVar's aggregate classification.
Comment: This variant is classified as likely benign based on ACMG/AMP sequence variant interpretation guidelines (Richards et al. 2015 PMID: 25741868, with internal and published modifications).

NM_020765.3(UBR4):c.3381G>A (p.Ala1127=)

Gene: UBR4 (ubiquitin protein ligase E3 component n-recognin 4; minus strand). Cytogenetic location: 1p36.13.
Variant type: single nucleotide variant.
Coding change: c.3381G>A on transcript NM_020765.3 (MANE Select); coding-DNA position 3381, G replaced by A.
Protein change: p.Ala1127=; no amino-acid change (alanine 1127 retained).
Molecular consequence: synonymous variant.
Genome position (GRCh38, 1-based): chr1:19,173,004, C>T on the plus strand (G>A on the coding strand, the complement: UBR4 is on the minus strand). VCF-style: chr1-19173004-C-T. GRCh37 (hg19) VCF-style: chr1-19499498-C-T.
Identifiers: ClinVar variation 742769 (VCV000742769.6), dbSNP rs374365470, ClinGen allele CA651157.